The following is an entry in ClinVar:

NM_001376.5(DYNC1H1):c.2686T>G (p.Leu896Val)

Gene: DYNC1H1 (dynein cytoplasmic 1 heavy chain 1; plus strand). Cytogenetic location: 14q32.31.
Variant type: single nucleotide variant.
Coding change: c.2686T>G on transcript NM_001376.5 (MANE Select); coding-DNA position 2686, T replaced by G.
Protein change: p.Leu896Val; replaces leucine 896 with valine.
Molecular consequence: missense variant.
Genome position (GRCh38, 1-based): chr14:101,987,600, T>G. VCF-style: chr14-101987600-T-G. GRCh37 (hg19) VCF-style: chr14-102453937-T-G.
Other names: short protein forms L896V.
Identifiers: ClinVar variation 3353147 (VCV003353147.1).

ClinVar aggregate classification (germline): Uncertain significance (0 of 4 stars; one submission).

Conditions:
DYNC1H1-related disorder. Also called: DYNC1H1-related condition; DYNC1H1-related disorders. Identifiers: MedGen CN381529.

Submission:

PreventionGenetics, part of Exact Sciences
Classification: Uncertain significance for DYNC1H1-related condition. Last evaluated: 2024-08-13. Review status: no assertion criteria provided. Collection method: clinical testing. Allele origin: germline.
Comment: The DYNC1H1 c.2686T>G variant is predicted to result in the amino acid substitution p.Leu896Val. To our knowledge, this variant has not been reported in the literature or in a large population database, indicating this variant is rare. At this time, the clinical significance of this variant is uncertain due to the absence of conclusive functional and genetic evidence.